The following is an entry in ClinVar:

NM_000051.4(ATM):c.8545_8546del (p.Arg2849fs)

Genes: ATM (ATM serine/threonine kinase; plus strand), C11orf65 (chromosome 11 open reading frame 65; minus strand). Cytogenetic location: 11q22.3.
Variant type: Deletion.
Coding change: c.8545_8546del on transcript NM_000051.4 (MANE Select); coding-DNA positions 8545 to 8546, 2 bases deleted (CG; older notation c.8545_8546delCG).
Protein change: p.Arg2849fs; shifts the reading frame from arginine 2849.
Molecular consequence: frameshift variant. On other transcripts: intron variant (2).
Genome position (GRCh38, 1-based): chr11:108,345,869-108,345,870, CG deleted; deleting any 2 consecutive bases within chr11:108,345,868-108,345,870 gives the same sequence; the c. name uses the placement nearest the transcript's 3' end. VCF-style (leftmost placement, unchanged base first): chr11-108345867-AGC-A. GRCh37 (hg19) VCF-style: chr11-108216594-AGC-A.
Other names: c.8545_8546del, p.Arg2849fs (NM_001351834.2); c.641-36798_641-36797del (NM_001330368.2); c.695-10577_695-10576del (NM_001351110.2); short protein forms R2849fs.
Identifiers: ClinVar variation 4814851 (VCV004814851.1).

ClinVar aggregate classification (germline): Likely pathogenic (1 of 4 stars; one submission).

Conditions:
Ataxia-telangiectasia syndrome (AT). Also called: LOUIS-BAR SYNDROME; Cerebello-oculocutaneous telangiectasia; Immunodeficiency with ataxia telangiectasia; Ataxia-telangiectasia, complementation group D; AT, COMPLEMENTATION GROUP C; ATAXIA-TELANGIECTASIA, COMPLEMENTATION GROUP A. Identifiers: Orphanet 100, MedGen C0004135, MONDO:0008840, OMIM 208900.

Submission:

Natera, Inc.
Classification: Likely pathogenic for Ataxia-telangiectasia. Last evaluated: 2024-04-25. Review status: criteria provided, single submitter. Criteria: Natera Variant Classification Schema (03/2026). Collection method: clinical testing. Allele origin: germline.
Comment: The c.8545_8546delCG variant in ATM is a frameshift variant predicted to shift the reading frame beginning at codon 2849 and leads to a stop codon 21 codons downstream. This variant is expected to result in nonsense mediated decay, truncation, or a dysfunctional protein product. This variant is rare in the general population with a frequency below the threshold expected for the associated phenotype(s). Given the available evidence, this variant is classified as Likely Pathogenic.